The following is an entry in ClinVar:

ClinVar aggregate classification (germline): Likely benign. Review status: criteria provided, multiple submitters, no conflicts (2 of 4 stars). 3 submissions from 3 submitters: Likely benign (2). 1 of the submissions does not count toward it. Last evaluated 2026-02-18.

Conditions:
Glucose-6-phosphate transport defect (GSD1B). Also called: GSD Ib; Glycogen Storage Disease Type Ib. Identifiers: Orphanet 364, Orphanet 79259, MedGen C0268146, MONDO:0009288, OMIM 232220.

Allele frequency attached by ClinVar (database versions not stated): gnomAD exomes below 0.00001 and 0.00002; gnomAD 0.00001; TOPMed 0.00001.

Submissions (3):

Women's Health and Genetics/Laboratory Corporation of America, LabCorp
Classification: Likely benign. Last evaluated: 2026-02-18. Review status: criteria provided, single submitter. Criteria: LabCorp Variant Classification Summary - May 2015. Collection method: clinical testing. Allele origin: germline.
Comment: Variant summary: SLC37A4 c.149-7C>T alters a non-conserved nucleotide located at a position not widely known to affect splicing. Consensus agreement among computation tools predict no significant impact on normal splicing. However, these predictions have yet to be confirmed by functional studies. The variant allele was found at a frequency of 1.7e-05 in 176698 control chromosomes. The available data on variant occurrences in the general population are insufficient to allow any conclusion about variant significance. To our knowledge, no occurrence of c.149-7C>T in individuals affected with SLC37A4-related conditions and no experimental evidence demonstrating its impact on protein function have been reported. ClinVar contains an entry for this variant (Variation ID: 557028). Based on the evidence outlined above, the variant was classified as likely benign.

Labcorp Genetics (formerly Invitae), Labcorp
Classification: Likely benign for Glucose-6-phosphate transport defect. Last evaluated: 2023-12-18. Review status: criteria provided, single submitter. Criteria: Invitae Variant Classification Sherloc (09022015). Collection method: clinical testing. Allele origin: germline.

Counsyl
Classification: Uncertain significance for Glucose-6-phosphate transport defect. Last evaluated: 2018-03-05. Review status: no assertion criteria provided. Collection method: clinical testing. Allele origin: unknown. Not counted in ClinVar's aggregate classification.

NM_001164277.2(SLC37A4):c.149-7C>T

Gene: SLC37A4 (solute carrier family 37 member 4; minus strand). Cytogenetic location: 11q23.3.
Variant type: single nucleotide variant.
Coding change: c.149-7C>T on transcript NM_001164277.2 (MANE Select); 7 bases into the intron before coding-DNA position 149, C replaced by T.
Molecular consequence: intron variant.
Genome position (GRCh38, 1-based): chr11:119,028,433, G>A on the plus strand (C>T on the coding strand, the complement: SLC37A4 is on the minus strand). VCF-style: chr11-119028433-G-A. GRCh37 (hg19) VCF-style: chr11-118899143-G-A.
Other names: c.-71-7C>T (NM_001164279.2); c.149-7C>T (NM_001467.6, NM_001164278.2, NM_001164280.2).
Identifiers: ClinVar variation 557028 (VCV000557028.13), dbSNP rs1316874319, ClinGen allele CA602577835.
Genomic context (GRCh38, chr11:119,028,433, plus strand): 5'-CACTGACAAACTTGCTGATAGCATAAGCTGCCGACTGGCTGCTGGTGATGAACCCTGCAG[G>A]GAACATTACACTTAGGGGTTAGGGACCAGGGGAGAAACACAGGAGCAATGAAAGAAGGCA-3'